The following is an entry in ClinVar:

ClinVar aggregate classification (germline): Likely benign (1 of 4 stars; one submission).

gnomAD v4.1: 69 of 1,594,508 alleles (0.0043%); highest among the groups gnomAD compares: Non-Finnish European, 0.0054%; no homozygotes.

Submission:

CeGaT Center for Human Genetics Tuebingen
Classification: Likely benign. Last evaluated: 2025-01-01. Review status: criteria provided, single submitter. Criteria: CeGaT Center For Human Genetics Tuebingen Variant Classification Criteria Version 2. Collection method: clinical testing. Allele origin: germline. Affected: yes. Observed: 1 variant allele.
Comment: SLC45A1: BP4, BP7

NM_001080397.3(SLC45A1):c.354C>T (p.Pro118=)

Gene: SLC45A1 (solute carrier family 45 member 1; plus strand). Cytogenetic location: 1p36.23.
Variant type: single nucleotide variant.
Coding change: c.354C>T on transcript NM_001080397.3 (MANE Select); coding-DNA position 354, C replaced by T.
Protein change: p.Pro118=; no amino-acid change (proline 118 retained).
Molecular consequence: synonymous variant. On other transcripts: intron variant (2).
Genome position (GRCh38, 1-based): chr1:8,324,683, C>T. VCF-style: chr1-8324683-C-T. GRCh37 (hg19) VCF-style: chr1-8384743-C-T.
Other names: c.354C>T, p.Pro118= (NM_001379614.1, NM_001379615.1, NM_001379616.1); c.-116-1135C>T (NM_001379617.1, NM_001379618.1).
Identifiers: ClinVar variation 3771211 (VCV003771211.13).